The following is an entry in ClinVar:

ClinVar aggregate classification (germline): Uncertain significance. Review status: criteria provided, multiple submitters, no conflicts (2 of 4 stars). 2 submissions from 2 submitters: Uncertain significance (2). Last evaluated 2026-02-07.

Conditions:
Long QT syndrome (LQTS). Identifiers: MedGen C0023976, MeSH D008133, MONDO:0002442. Disease mechanism: loss of function. Inheritance: Various modes of inheritance.

gnomAD v4.1: 1 of 1,613,814 alleles (0.000062%); highest among the groups gnomAD compares: Non-Finnish European, 0.000085%; no homozygotes.

Submissions (2):

Women's Health and Genetics/Laboratory Corporation of America, LabCorp
Classification: Uncertain significance. Last evaluated: 2026-02-07. Review status: criteria provided, single submitter. Criteria: LabCorp Variant Classification Summary - May 2015. Collection method: clinical testing. Allele origin: germline.

Labcorp Genetics (formerly Invitae), Labcorp
Classification: Uncertain significance for Long QT syndrome. Last evaluated: 2025-10-23. Review status: criteria provided, single submitter. Criteria: Invitae Variant Classification Sherloc (09022015). Collection method: clinical testing. Allele origin: germline.
Comment: This sequence change replaces aspartic acid, which is acidic and polar, with alanine, which is neutral and non-polar, at codon 2196 of the AKAP9 protein (p.Asp2196Ala). This variant is not present in population databases (gnomAD no frequency). This variant has not been reported in the literature in individuals affected with AKAP9-related conditions. An algorithm developed to predict the effect of missense changes on protein structure and function (PolyPhen-2) suggests that this variant is likely to be disruptive. In summary, the available evidence is currently insufficient to determine the role of this variant in disease. Therefore, it has been classified as a Variant of Uncertain Significance.

NM_005751.5(AKAP9):c.6587A>C (p.Asp2196Ala)

Gene: AKAP9 (A-kinase anchoring protein 9; plus strand). Cytogenetic location: 7q21.2.
Variant type: single nucleotide variant.
Coding change: c.6587A>C on transcript NM_005751.5 (MANE Select); coding-DNA position 6587, A replaced by C.
Protein change: p.Asp2196Ala; replaces aspartic acid 2196 with alanine.
Molecular consequence: missense variant.
Genome position (GRCh38, 1-based): chr7:92,070,984, A>C. VCF-style: chr7-92070984-A-C. GRCh37 (hg19) VCF-style: chr7-91700298-A-C.
Other names: c.1232A>C, p.Asp411Ala (NM_001379277.1); c.6563A>C, p.Asp2188Ala (NM_147185.3); short protein forms D411A, D2188A, D2196A.
Identifiers: ClinVar variation 4781384 (VCV004781384.2).